The following is an entry in ClinVar:

NM_001386298.1(CIC):c.7386C>T (p.Pro2462=)

Gene: CIC (capicua transcriptional repressor; plus strand). Cytogenetic location: 19q13.2.
Variant type: single nucleotide variant.
Coding change: c.7386C>T on transcript NM_001386298.1 (MANE Select); coding-DNA position 7386, C replaced by T.
Protein change: p.Pro2462=; no amino-acid change (proline 2462 retained).
Molecular consequence: synonymous variant.
Genome position (GRCh38, 1-based): chr19:42,295,023, C>T. VCF-style: chr19-42295023-C-T. GRCh37 (hg19) VCF-style: chr19-42799175-C-T.
Other names: c.7386C>T, p.Pro2462= (NM_001304815.2); c.7383C>T, p.Pro2461= (NM_001379480.1, NM_001379482.1, NM_001379483.1); c.4653C>T, p.Pro1551= (NM_001379484.1); c.4650C>T, p.Pro1550= (NM_001379485.1); c.4659C>T, p.Pro1553= (NM_015125.5).
Identifiers: ClinVar variation 2650020 (VCV002650020.25), dbSNP rs547998314, ClinGen allele CA9473005.
Genomic context (GRCh38, chr19:42,295,023, plus strand): 5'-TCCTCTCCCTGTACCGCCCCCCACTGGCACCGCTGCTGCCCCTGCCCCCACTCCCAGCCC[C>T]GCAGGGGGCCCTGACCCCACCTCACCCAGCTCGGACTCTGGCACGGCCCAGGCTGCCCCG-3'
Protein context (NP_001373227.1, residues 2452-2472): TAAAPAPTPS[Pro2462=]AGGPDPTSPS

ClinVar aggregate classification (germline): Likely benign. Review status: criteria provided, multiple submitters, no conflicts (2 of 4 stars). 2 submissions from 2 submitters: Likely benign (2). Last evaluated 2025-02-01.

Allele frequency attached by ClinVar (database versions not stated): TOPMed 0.00007; gnomAD 0.00011; ExAC 0.00108; 1000 Genomes Project 30x 0.00125; 1000 Genomes Project 0.00140.
gnomAD v4.1: 302 of 1,583,980 alleles (0.019%); highest among the groups gnomAD compares: South Asian, 0.26%; 4 homozygotes.

Submissions (2):

CeGaT Center for Human Genetics Tuebingen
Classification: Likely benign. Last evaluated: 2025-02-01. Review status: criteria provided, single submitter. Criteria: CeGaT Center For Human Genetics Tuebingen Variant Classification Criteria Version 2. Collection method: clinical testing. Allele origin: germline. Affected: yes. Observed: 4 variant alleles.
Comment: CIC: BP4, BP7

Blueprint Genetics
Classification: Likely benign. Last evaluated: 2024-11-18. Review status: criteria provided, single submitter. Criteria: ACMG Guidelines, 2015. Collection method: clinical testing. Allele origin: germline.